The following is an entry in ClinVar:

ClinVar aggregate classification (germline): Conflicting classifications of pathogenicity. Review status: criteria provided, conflicting classifications (1 of 4 stars). 4 submissions from 4 submitters: Uncertain significance (1); Benign (2); Likely benign (1). Last evaluated 2026-02-12.

Conditions:
Hereditary cancer-predisposing syndrome. Also called: Tumor predisposition; Hereditary Cancer Syndrome; Hereditary neoplastic syndrome; Neoplastic Syndromes, Hereditary. Identifiers: Orphanet 140162, MedGen C0027672, MeSH D009386, MONDO:0015356.
Birt-Hogg-Dube syndrome. Also called: Birt Hogg Dubé syndrome. Identifiers: Orphanet 122, MedGen C0346010, MONDO:0800444.
Birt-Hogg-Dube syndrome 1 (BHD1). Also called: FIBROFOLLICULOMAS WITH TRICHODISCOMAS AND ACROCHORDONS. Identifiers: Orphanet 122, MedGen CN375946, MONDO:0800445, OMIM 135150.

Allele frequency attached by ClinVar (database versions not stated): gnomAD exomes below 0.00001 and 0.00002; ExAC 0.00001; gnomAD 0.00001; TOPMed 0.00004; 1000 Genomes Project 30x 0.00016; 1000 Genomes Project 0.00020.
gnomAD v4.1: 8 of 1,613,940 alleles (0.0005%); highest among the groups gnomAD compares: Admixed American, 0.01%; no homozygotes.

Submissions (4):

Ambry Genetics
Classification: Benign for Hereditary cancer-predisposing syndrome. Last evaluated: 2026-02-12. Review status: criteria provided, single submitter. Criteria: Ambry Variant Classification Scheme 2023. Collection method: clinical testing. Allele origin: germline.

Labcorp Genetics (formerly Invitae), Labcorp
Classification: Likely benign for Birt-Hogg-Dube syndrome. Last evaluated: 2026-02-01. Review status: criteria provided, single submitter. Criteria: Invitae Variant Classification Sherloc (09022015). Collection method: clinical testing. Allele origin: germline.

Myriad Genetics, Inc.
Classification: Benign for Birt-Hogg-Dube syndrome 1. Last evaluated: 2025-11-20. Review status: criteria provided, single submitter. Criteria: Myriad Autosomal Dominant, Autosomal Recessive and X-Linked Classification Criteria (2023). Collection method: clinical testing. Allele origin: unknown.
Comment: This variant is considered benign. This variant is intronic and is not expected to impact mRNA splicing. Homozygosity has been confirmed in one or more individuals. As homozygosity for pathogenic variants in this gene is generally assumed to result in embryonic lethality, this variant is unlikely to be pathogenic.

Sema4
Classification: Uncertain significance for Hereditary cancer-predisposing syndrome. Last evaluated: 2021-09-09. Review status: criteria provided, single submitter. Criteria: Sema4 Curation Guidelines. Collection method: curation. Allele origin: germline.
Comment: The FLCN c.1433-13C>T variant has not been reported in the literature to our knowledge. It was observed in 4/34592 chromosomes of the Latino subpopulation in the Genome Aggregation Database (PMID: 32461654). The variant has not been reported in ClinVar. The evidence is insufficient to meet ACMG/AMP criteria for classifying the variant as benign or pathogenic. Thus, the clinical significance of this variant is currently uncertain.

NM_144997.7(FLCN):c.1433-13C>T

Gene: FLCN (folliculin; minus strand). Cytogenetic location: 17p11.2.
Variant type: single nucleotide variant.
Coding change: c.1433-13C>T on transcript NM_144997.7 (MANE Select); 13 bases into the intron before coding-DNA position 1433, C replaced by T.
Molecular consequence: intron variant.
Genome position (GRCh38, 1-based): chr17:17,215,103, G>A on the plus strand (C>T on the coding strand, the complement: FLCN is on the minus strand). VCF-style: chr17-17215103-G-A. GRCh37 (hg19) VCF-style: chr17-17118417-G-A.
Other names: c.1433-13C>T (NM_001353231.2, NM_001353230.2); c.1487-13C>T (NM_001353229.2).
Identifiers: ClinVar variation 1579661 (VCV001579661.12), dbSNP rs200771620, ClinGen allele CA8415966.
Genomic context (GRCh38, chr17:17,215,103, plus strand): 5'-TCTGGTTGGTCAGAGCCGCTTCAATCTTATTCAGGATGGTGGGGCCCACTGGGGAGAAGG[G>A]CAGGGGCAGAGCAAGGGCAGGCGTTAGCGCGGGGCGGGGGCATCTTCTCACAAAAAGGAC-3'